The following is an entry in ClinVar:

ClinVar aggregate classification (germline): Uncertain significance (1 of 4 stars; one submission).

Conditions:
3-methylglutaconic aciduria, type VIIB (MGCA7B). Also called: CLPB Deficiency; 3-methylglutaconic aciduria with cataracts, neurologic involvement and neutropenia; 3-methylglutaconic aciduria, type VII, with cataracts, neurologic involvement and neutropenia. Identifiers: Orphanet 445038, MedGen C5676893, MONDO:0014561, OMIM 616271.

Allele frequency attached by ClinVar (database versions not stated): TOPMed 0.00002.

Submission:

Labcorp Genetics (formerly Invitae), Labcorp
Classification: Uncertain significance for 3-methylglutaconic aciduria, type VIIB. Last evaluated: 2023-08-24. Review status: criteria provided, single submitter. Criteria: Invitae Variant Classification Sherloc (09022015). Collection method: clinical testing. Allele origin: germline.
Comment: In summary, the available evidence is currently insufficient to determine the role of this variant in disease. Therefore, it has been classified as a Variant of Uncertain Significance. An algorithm developed to predict the effect of missense changes on protein structure and function (PolyPhen-2) suggests that this variant is likely to be disruptive. ClinVar contains an entry for this variant (Variation ID: 1476472). This variant has not been reported in the literature in individuals affected with CLPB-related conditions. This variant is not present in population databases (gnomAD no frequency). This sequence change replaces leucine, which is neutral and non-polar, with valine, which is neutral and non-polar, at codon 339 of the CLPB protein (p.Leu339Val).

NM_001258392.3(CLPB):c.925C>G (p.Leu309Val)

Gene: CLPB (ClpB family mitochondrial disaggregase; minus strand). Cytogenetic location: 11q13.4.
Variant type: single nucleotide variant.
Coding change: c.925C>G on transcript NM_001258392.3 (MANE Select); coding-DNA position 925, C replaced by G.
Protein change: p.Leu309Val; replaces leucine 309 with valine.
Molecular consequence: missense variant.
Genome position (GRCh38, 1-based): chr11:72,317,169, G>C on the plus strand (C>G on the coding strand, the complement: CLPB is on the minus strand). VCF-style: chr11-72317169-G-C. GRCh37 (hg19) VCF-style: chr11-72028213-G-C.
Other names: c.838C>G, p.Leu280Val (NM_001258393.3); c.880C>G, p.Leu294Val (NM_001258394.3); c.1015C>G, p.Leu339Val (NM_030813.6); short protein forms L294V, L309V, L280V, L339V.
Identifiers: ClinVar variation 1476472 (VCV001476472.8), dbSNP rs941057831, ClinGen allele CA224395725.
Genomic context (GRCh38, chr11:72,317,169, plus strand): 5'-CACCCACTGTGGCGATGGCGCTCTCCTGGCCAATGATGTGCTCCTTTAGTCGCTGCTCCA[G>C]GGGGAAGCGGCGCCGCTCCTCAGCCTCACGCTTCCGCTGCTTCTCTTGGTACTGTGGGGA-3'
Protein context (NP_001245321.1, residues 299-319): REAEERRRFP[Leu309Val]EQRLKEHIIG